The following is an entry in ClinVar:

ClinVar aggregate classification (germline): Uncertain significance (1 of 4 stars; one submission).

Conditions:
Landau-Kleffner syndrome (FESD). Also called: EPILEPSY, FOCAL, WITH SPEECH DISORDER AND WITH OR WITHOUT MENTAL RETARDATION; APHASIA, ACQUIRED, WITH EPILEPSY. Identifiers: Orphanet 1945, Orphanet 725, Orphanet 98818, MedGen C0282512, MONDO:0009509, OMIM 245570.

Submission:

Labcorp Genetics (formerly Invitae), Labcorp
Classification: Uncertain significance for Landau-Kleffner syndrome. Last evaluated: 2021-12-03. Review status: criteria provided, single submitter. Criteria: Invitae Variant Classification Sherloc (09022015). Collection method: clinical testing. Allele origin: germline.
Comment: This variant has not been reported in the literature in individuals affected with GRIN2A-related conditions. In summary, the available evidence is currently insufficient to determine the role of this variant in disease. Therefore, it has been classified as a Variant of Uncertain Significance. Advanced modeling of protein sequence and biophysical properties (such as structural, functional, and spatial information, amino acid conservation, physicochemical variation, residue mobility, and thermodynamic stability) performed at Invitae indicates that this missense variant is expected to disrupt GRIN2A protein function. This variant is not present in population databases (gnomAD no frequency). This sequence change replaces phenylalanine, which is neutral and non-polar, with cysteine, which is neutral and slightly polar, at codon 682 of the GRIN2A protein (p.Phe682Cys).

NM_001134407.3(GRIN2A):c.2045T>G (p.Phe682Cys)

Gene: GRIN2A (glutamate ionotropic receptor NMDA type subunit 2A; minus strand). Cytogenetic location: 16p13.2.
Variant type: single nucleotide variant.
Coding change: c.2045T>G on transcript NM_001134407.3 (MANE Select); coding-DNA position 2045, T replaced by G.
Protein change: p.Phe682Cys; replaces phenylalanine 682 with cysteine.
Molecular consequence: missense variant.
Genome position (GRCh38, 1-based): chr16:9,822,387, A>C on the plus strand (T>G on the coding strand, the complement: GRIN2A is on the minus strand). VCF-style: chr16-9822387-A-C. GRCh37 (hg19) VCF-style: chr16-9916244-A-C.
Other names: c.2045T>G, p.Phe682Cys (NM_000833.5, NM_001134408.2); short protein forms F682C.
Identifiers: ClinVar variation 2029827 (VCV002029827.4), dbSNP rs1278155592, ClinGen allele CA394797927.